The following is an entry in ClinVar:

Conditions:
Breast-ovarian cancer, familial, susceptibility to, 1 (BROVCA1). Also called: BRCA1 Hereditary Breast and Ovarian Cancer; OVARIAN CANCER, SUSCEPTIBILITY TO. Identifiers: Orphanet 145, MedGen C2676676, MONDO:0011450, OMIM 604370. Disease mechanism: loss of function.

Submission:

Brotman Baty Institute, University of Washington
No classification provided (evidence only). Condition: Breast-ovarian cancer, familial 1. Review status: no classification provided. Collection method: in vitro. Allele origin: not applicable. Functional consequence: functionally_normal.
ClinVar note: "not provided" was previously submitted as the classification for the variant. However, the classification appeared to be based only on an observation of functional data so it was converted to no classification on 2025-07-30.

NM_007294.4(BRCA1):c.5153-9T>A

Gene: BRCA1 (BRCA1 DNA repair associated; minus strand). Cytogenetic location: 17q21.31.
Variant type: single nucleotide variant.
Coding change: c.5153-9T>A on transcript NM_007294.4 (MANE Select); 9 bases into the intron before coding-DNA position 5153, T replaced by A.
Molecular consequence: intron variant.
Genome position (GRCh38, 1-based): chr17:43,063,382, A>T on the plus strand (T>A on the coding strand, the complement: BRCA1 is on the minus strand). VCF-style: chr17-43063382-A-T. GRCh37 (hg19) VCF-style: chr17-41215399-A-T.
Other names: c.5012-9T>A (NM_001407942.1, NM_001407694.1, NM_001407696.1 and 13 more transcripts); c.1700-9T>A (NM_001408465.1, NM_001408463.1, NM_001408462.1 and 7 more transcripts); c.1631-9T>A (NM_001408482.1, NM_001408484.1, NM_001408485.1 and 5 more transcripts); c.4889-9T>A (NM_001407920.1, NM_001407923.1, NM_001407922.1 and 4 more transcripts); c.5009-9T>A (NM_001407751.1, NM_001407740.1, NM_001407739.1 and 21 more transcripts); c.4817-9T>A (NM_001407954.1, NM_001407952.1, NM_001407950.1 and 3 more transcripts); c.1577-9T>A (NM_001408504.1, NM_001408503.1, NM_001408502.1); c.5006-9T>A (NM_001407847.1, NM_001407841.1, NM_001407838.1 and 12 more transcripts); and 72 more.
Identifiers: ClinVar variation 865061 (VCV000865061.3), dbSNP rs2051874564, ClinGen allele CA916080059.